The following is an entry in ClinVar:

ClinVar aggregate classification (germline): Benign/Likely benign. Review status: criteria provided, multiple submitters, no conflicts (2 of 4 stars). 6 submissions from 6 submitters: Benign (5); Likely benign (1). Last evaluated 2025-12-03.

Conditions:
TFRC-related combined immunodeficiency. Also called: Immunodeficiency 46. Identifiers: Orphanet 476113, MedGen C5568133, MONDO:0014760, OMIM 616740.

Allele frequency attached by ClinVar (database versions not stated): ESP Exome Variant Server 0.19330; 1000 Genomes Project 30x 0.29653; 1000 Genomes Project 0.29832; TOPMed 0.30688; gnomAD exomes 0.31405 and 0.31742; gnomAD 0.31431 and 0.31444; ExAC 0.32029.
gnomAD v4.1: 510,215 of 1,611,244 alleles (32%); highest among the groups gnomAD compares: South Asian, 36%; 82,046 homozygotes.

Submissions (6):

Labcorp Genetics (formerly Invitae), Labcorp
Classification: Benign. Last evaluated: 2025-12-03. Review status: criteria provided, single submitter. Criteria: Invitae Variant Classification Sherloc (09022015). Collection method: clinical testing. Allele origin: germline.

Blueprint Genetics
Classification: Likely benign. Last evaluated: 2024-11-26. Review status: criteria provided, single submitter. Criteria: ACMG Guidelines, 2015. Collection method: clinical testing. Allele origin: germline.

Unidad de Genómica Garrahan, Hospital de Pediatría Garrahan
Classification: Benign. Last evaluated: 2023-11-12. Review status: criteria provided, single submitter. Criteria: ACMG Guidelines, 2015. Collection method: clinical testing. Allele origin: germline. Affected: no. Observed: 50 variant alleles.
Comment: This variant is classified as Benign based on local population frequency. This variant was detected in 52% of patients studied by a panel of primary immunodeficiencies. Number of patients: 50. Only high quality variants are reported.

Genome-Nilou Lab
Classification: Benign for TFRC-related combined immunodeficiency. Last evaluated: 2021-09-10. Review status: criteria provided, single submitter. Criteria: ACMG Guidelines, 2015. Collection method: clinical testing. Allele origin: germline. Affected: no.

GeneDx
Classification: Benign. Last evaluated: 2021-06-09. Review status: criteria provided, single submitter. Criteria: GeneDx Variant Classification Process June 2021. Collection method: clinical testing. Allele origin: germline. Affected: yes.

Breakthrough Genomics
Classification: Benign. Review status: criteria provided, single submitter. Criteria: ACMG Guidelines, 2015. Collection method: not provided. Allele origin: germline. Inheritance: Autosomal recessive inheritance. Affected: yes.

NM_001128148.3(TFRC):c.1678-5T>C

Gene: TFRC (transferrin receptor; minus strand). Cytogenetic location: 3q29.
Variant type: single nucleotide variant.
Coding change: c.1678-5T>C on transcript NM_001128148.3 (MANE Select); 5 bases into the intron before coding-DNA position 1678, T replaced by C.
Molecular consequence: intron variant.
Genome position (GRCh38, 1-based): chr3:196,055,306, A>G on the plus strand (T>C on the coding strand, the complement: TFRC is on the minus strand). VCF-style: chr3-196055306-A-G. GRCh37 (hg19) VCF-style: chr3-195782177-A-G.
Other names: c.832-5T>C (NM_001313966.2); c.1435-5T>C (NM_001313965.2); c.1678-5T>C (NM_003234.4).
Identifiers: ClinVar variation 1230584 (VCV001230584.14), dbSNP rs366268, ClinGen allele CA2777799.
Genomic context (GRCh38, chr3:196,055,306, plus strand): 5'-TCAATCAGTTCCTTATAGGTGTCCATGGTGGTACCCAAATAAGGATAATCTGTGTCCTGC[A>G]AGACAACGCGAGGCTATGGTACTCACGTGAGTTCTAAGAGCAAGAGCCTCACATTCTGGC-3'